The following is an entry in ClinVar:

NM_013432.5(TONSL):c.1531C>T (p.Gln511Ter)

Genes: TONSL (tonsoku like, DNA repair protein; minus strand), TONSL-AS1 (TONSL antisense RNA 1; plus strand). Cytogenetic location: 8q24.3.
Variant type: single nucleotide variant.
Coding change: c.1531C>T on transcript NM_013432.5 (MANE Select); coding-DNA position 1531, C replaced by T.
Protein change: p.Gln511Ter; replaces glutamine 511 with a stop codon.
Molecular consequence: nonsense. On other transcripts: non-coding transcript variant (1).
Genome position (GRCh38, 1-based): chr8:144,438,685, G>A on the plus strand (C>T on the coding strand, the complement: TONSL is on the minus strand). VCF-style: chr8-144438685-G-A. GRCh37 (hg19) VCF-style: chr8-145664068-G-A.
Other names: short protein forms Q511*.
Identifiers: ClinVar variation 1325216 (VCV001325216.8), dbSNP rs761727821, ClinGen allele CA4943181.

ClinVar aggregate classification (germline): Pathogenic/Likely pathogenic. Review status: criteria provided, multiple submitters, no conflicts (2 of 4 stars). 2 submissions from 2 submitters: Pathogenic (1); Likely pathogenic (1). Last evaluated 2023-07-07.

Conditions:
Sponastrime dysplasia. Also called: SPONDYLAR AND NASAL ALTERATIONS WITH STRIATED METAPHYSES. Identifiers: Orphanet 93357, MedGen C1300260, MONDO:0010068, OMIM 271510.

Allele frequency attached by ClinVar (database versions not stated): gnomAD 0.00001; gnomAD exomes 0.00001 and 0.00003; TOPMed 0.00001; ExAC 0.00003.
gnomAD v4.1: 6 of 1,613,162 alleles (0.00037%); highest among the groups gnomAD compares: East Asian, 0.013%; no homozygotes.

Submissions (2):

Labcorp Genetics (formerly Invitae), Labcorp
Classification: Pathogenic. Last evaluated: 2023-07-07. Review status: criteria provided, single submitter. Criteria: Invitae Variant Classification Sherloc (09022015). Collection method: clinical testing. Allele origin: germline.
Comment: This sequence change creates a premature translational stop signal (p.Gln511*) in the TONSL gene. It is expected to result in an absent or disrupted protein product. Loss-of-function variants in TONSL are known to be pathogenic (PMID: 30773277). The frequency data for this variant in the population databases is considered unreliable, as metrics indicate poor data quality at this position in the gnomAD database. This premature translational stop signal has been observed in individual(s) with sponastrime dysplasia (PMID: 30773278). ClinVar contains an entry for this variant (Variation ID: 1325216). For these reasons, this variant has been classified as Pathogenic.

Revvity Omics, Revvity
Classification: Likely pathogenic for Sponastrime dysplasia. Last evaluated: 2020-11-13. Review status: criteria provided, single submitter. Criteria: ACMG Guidelines, 2015. Collection method: clinical testing. Allele origin: germline.

Literature cited by the submitters: PubMed 30773277 (cited by Labcorp Genetics (formerly Invitae), Labcorp); PubMed 30773278 (cited by Labcorp Genetics (formerly Invitae), Labcorp).